The following is an entry in ClinVar:

ClinVar aggregate classification (germline): Uncertain significance (1 of 4 stars; one submission).

gnomAD v4.1: 3 of 1,613,634 alleles (0.00019%); highest among the groups gnomAD compares: Non-Finnish European, 0.00025%; no homozygotes.

Submission:

CeGaT Center for Human Genetics Tuebingen
Classification: Uncertain significance. Last evaluated: 2026-09-01. Review status: criteria provided, single submitter. Criteria: CeGaT Center For Human Genetics Tuebingen Variant Classification Criteria Version 2. Collection method: clinical testing. Allele origin: germline. Affected: yes. Observed: 1 variant allele.
Comment: ARHGEF10: PM2, BP4

NM_014629.4(ARHGEF10):c.3272C>T (p.Ala1091Val)

Gene: ARHGEF10 (Rho guanine nucleotide exchange factor 10; plus strand). Cytogenetic location: 8p23.3.
Variant type: single nucleotide variant.
Coding change: c.3272C>T on transcript NM_014629.4 (MANE Select); coding-DNA position 3272, C replaced by T.
Protein change: p.Ala1091Val; replaces alanine 1091 with valine.
Molecular consequence: missense variant.
Genome position (GRCh38, 1-based): chr8:1,945,530, C>T. VCF-style: chr8-1945530-C-T. GRCh37 (hg19) VCF-style: chr8-1893696-C-T.
Other names: c.3158C>T, p.Ala1053Val (NM_001308152.2, NM_001438094.1); c.3272C>T, p.Ala1091Val (NM_001308153.3); c.3275C>T, p.Ala1092Val (NM_001438091.1); c.3155C>T, p.Ala1052Val (NM_001438092.1, NM_001438093.1); short protein forms A1052V, A1053V, A1091V, A1092V, A1115V.
Identifiers: ClinVar variation 5041528 (VCV005041528.1).